The following is an entry in ClinVar:

NM_003737.4(DCHS1):c.994G>A (p.Val332Met)

Gene: DCHS1 (dachsous cadherin-related 1; minus strand). Cytogenetic location: 11p15.4.
Variant type: single nucleotide variant.
Coding change: c.994G>A on transcript NM_003737.4 (MANE Select); coding-DNA position 994, G replaced by A.
Protein change: p.Val332Met; replaces valine 332 with methionine.
Molecular consequence: missense variant.
Genome position (GRCh38, 1-based): chr11:6,640,620, C>T on the plus strand (G>A on the coding strand, the complement: DCHS1 is on the minus strand). VCF-style: chr11-6640620-C-T. GRCh37 (hg19) VCF-style: chr11-6661851-C-T.
Other names: short protein forms V332M.
Identifiers: ClinVar variation 1033610 (VCV001033610.1), dbSNP rs1413559157, ClinGen allele CA379438095.
Genomic context (GRCh38, chr11:6,640,620, plus strand): 5'-CATGCACAGTCACAAAGGCCGAGCCCAGCTCAGGGTGAGCCCCACCATCTCGTGCTTGCA[C>T]CACCAGTTCATGGACCCGCCGCTGCTCAAAGTCCAGTGGCCGCTCTAACTGCAGCAGCCC-3'
Protein context (NP_003728.1, residues 322-342): FEQRRVHELV[Val332Met]QARDGGAHPE

ClinVar aggregate classification (germline): Uncertain significance (1 of 4 stars; one submission).

Conditions:
Mitral valve prolapse, myxomatous 2. Also called: MMVP2; Mitral valve prolapse 2. Identifiers: MedGen C1843003, MONDO:0011915, OMIM 607829.

Allele frequency attached by ClinVar (database versions not stated): TOPMed below 0.00001 and 0.00001; gnomAD 0.00001.
gnomAD v4.1: 1 of 1,609,772 alleles (0.000062%); highest among the groups gnomAD compares: Non-Finnish European, 0.000085%; no homozygotes.

Submission:

Baylor Genetics
Classification: Uncertain significance for Mitral valve prolapse, myxomatous 2. Last evaluated: 2018-02-06. Review status: criteria provided, single submitter. Criteria: ACMG Guidelines, 2015. Collection method: clinical testing. Allele origin: maternal. Affected: yes.
Comment: This variant was determined to be of uncertain significance according to ACMG Guidelines, 2015 [PMID:25741868].